The following is an entry in ClinVar:

NM_001098.3(ACO2):c.145G>A (p.Glu49Lys)

Gene: ACO2 (aconitase 2; plus strand). Cytogenetic location: 22q13.2.
Variant type: single nucleotide variant.
Coding change: c.145G>A on transcript NM_001098.3 (MANE Select); coding-DNA position 145, G replaced by A.
Protein change: p.Glu49Lys; replaces glutamic acid 49 with lysine.
Molecular consequence: missense variant.
Genome position (GRCh38, 1-based): chr22:41,499,834, G>A. VCF-style: chr22-41499834-G-A. GRCh37 (hg19) VCF-style: chr22-41895838-G-A.
Other names: short protein forms E49K.
Identifiers: ClinVar variation 2728092 (VCV002728092.3), dbSNP rs2518210968, ClinGen allele CA411712010.

ClinVar aggregate classification (germline): Uncertain significance (1 of 4 stars; one submission).

gnomAD v4.1: 3 of 1,614,170 alleles (0.00019%); highest among the groups gnomAD compares: Non-Finnish European, 0.00025%; no homozygotes.

Submission:

Labcorp Genetics (formerly Invitae), Labcorp
Classification: Uncertain significance. Last evaluated: 2023-06-24. Review status: criteria provided, single submitter. Criteria: Invitae Variant Classification Sherloc (09022015). Collection method: clinical testing. Allele origin: germline.
Comment: This sequence change replaces glutamic acid, which is acidic and polar, with lysine, which is basic and polar, at codon 49 of the ACO2 protein (p.Glu49Lys). This variant is not present in population databases (gnomAD no frequency). In summary, the available evidence is currently insufficient to determine the role of this variant in disease. Therefore, it has been classified as a Variant of Uncertain Significance. Advanced modeling of protein sequence and biophysical properties (such as structural, functional, and spatial information, amino acid conservation, physicochemical variation, residue mobility, and thermodynamic stability) performed at Invitae indicates that this missense variant is expected to disrupt ACO2 protein function. This variant has not been reported in the literature in individuals affected with ACO2-related conditions.